The following is an entry in ClinVar:

NC_000001.11:g.(?_215766671)_(215934805_?)del

Gene: USH2A (usherin; minus strand). Cytogenetic location: 1q41.
Variant type: Deletion.
Identifiers: ClinVar variation 831766 (VCV000831766.1).

ClinVar aggregate classification (germline): Likely pathogenic (1 of 4 stars; one submission).

Submission:

Labcorp Genetics (formerly Invitae), Labcorp
Classification: Likely pathogenic. Last evaluated: 2019-07-23. Review status: criteria provided, single submitter. Criteria: Invitae Variant Classification Sherloc (09022015). Collection method: clinical testing. Allele origin: germline.
Comment: This variant is an in-frame deletion of the genomic region encompassing exons 38-56 of the USH2A gene. It preserves the integrity of the reading frame. This variant has been observed in an individual affected with Usher syndrome (PMID: 26927203). This variant disrupts the p.Thr3571 and p.Pro3272 amino acid residues in USH2A. Other variant(s) that disrupt these residues have been determined to be pathogenic (PMID: 17085681, 21569298, 28653555, 28894305, 18281613, 27157150, 26667666, 29142287, 26338283, 25575603). This suggests that these residues are clinically significant, and that variants that disrupt these residues are likely to be disease-causing. In summary, the currently available evidence indicates that the variant is pathogenic, but additional data are needed to prove that conclusively. Therefore, this variant has been classified as Likely Pathogenic.

Literature cited by the submitters: PubMed 21569298; PubMed 27157150; PubMed 29142287; PubMed 26338283; PubMed 26927203; PubMed 18281613; PubMed 17085681; PubMed 25575603; PubMed 26667666; PubMed 28653555; PubMed 28894305.